The following is an entry in ClinVar:

ClinVar aggregate classification (germline): Uncertain significance. Review status: criteria provided, multiple submitters, no conflicts (2 of 4 stars). 3 submissions from 3 submitters: Uncertain significance (3). Last evaluated 2022-09-12.

Allele frequency attached by ClinVar (database versions not stated): gnomAD 0.00001; ExAC 0.00002; TOPMed 0.00002; ESP Exome Variant Server 0.00008.
gnomAD v4.1: 49 of 1,613,566 alleles (0.003%); highest among the groups gnomAD compares: Non-Finnish European, 0.0041%; no homozygotes.

Submissions (3):

Blueprint Genetics
Classification: Uncertain significance. Last evaluated: 2022-09-12. Review status: criteria provided, single submitter. Criteria: ACMG Guidelines, 2015. Collection method: clinical testing. Allele origin: germline.

Labcorp Genetics (formerly Invitae), Labcorp
Classification: Uncertain significance. Last evaluated: 2022-05-25. Review status: criteria provided, single submitter. Criteria: Invitae Variant Classification Sherloc (09022015). Collection method: clinical testing. Allele origin: germline.
Comment: In summary, the available evidence is currently insufficient to determine the role of this variant in disease. Therefore, it has been classified as a Variant of Uncertain Significance. Algorithms developed to predict the effect of missense changes on protein structure and function are either unavailable or do not agree on the potential impact of this missense change (SIFT: "Tolerated"; PolyPhen-2: "Probably Damaging"; Align-GVGD: "Class C0"). This variant has not been reported in the literature in individuals affected with TMEM126A-related conditions. This variant is present in population databases (rs374124838, gnomAD 0.004%). This sequence change replaces glycine, which is neutral and non-polar, with alanine, which is neutral and non-polar, at codon 110 of the TMEM126A protein (p.Gly110Ala).

GeneDx
Classification: Uncertain significance. Last evaluated: 2022-04-22. Review status: criteria provided, single submitter. Criteria: GeneDx Variant Classification Process June 2021. Collection method: clinical testing. Allele origin: germline. Affected: yes.
Comment: Not observed at significant frequency in large population cohorts (gnomAD); In silico analysis supports that this missense variant has a deleterious effect on protein structure/function; Has not been previously published as pathogenic or benign to our knowledge

NM_032273.4(TMEM126A):c.329G>C (p.Gly110Ala)

Gene: TMEM126A (transmembrane protein 126A; plus strand). Cytogenetic location: 11q14.1.
Variant type: single nucleotide variant.
Coding change: c.329G>C on transcript NM_032273.4 (MANE Select); coding-DNA position 329, G replaced by C.
Protein change: p.Gly110Ala; replaces glycine 110 with alanine.
Molecular consequence: missense variant.
Genome position (GRCh38, 1-based): chr11:85,655,642, G>C. VCF-style: chr11-85655642-G-C. GRCh37 (hg19) VCF-style: chr11-85366686-G-C.
Other names: c.119G>C, p.Gly40Ala (NM_001244735.2); short protein forms G110A, G40A.
Identifiers: ClinVar variation 1712219 (VCV001712219.8), dbSNP rs374124838, ClinGen allele CA6212762.
Genomic context (GRCh38, chr11:85,655,642, plus strand): 5'-TTTATTTCCTAGGTGATTTGGATTGTGAAACCTGTACCATAACACGGAGTGGACTGACTG[G>C]TCTTGTTATTGGTGGTCTATACCCTGTTTTCTTGGCTATACCTGTAAATGGTGGTCTAGC-3'
Protein context (NP_115649.1, residues 100-120): TCTITRSGLT[Gly110Ala]LVIGGLYPVF